The following is an entry in ClinVar:

ClinVar aggregate classification (germline): Uncertain significance (1 of 4 stars; one submission).

Allele frequency attached by ClinVar (database versions not stated): TOPMed below 0.00001.

Submission:

Labcorp Genetics (formerly Invitae), Labcorp
Classification: Uncertain significance. Last evaluated: 2022-02-06. Review status: criteria provided, single submitter. Criteria: Invitae Variant Classification Sherloc (09022015). Collection method: clinical testing. Allele origin: germline.
Comment: This sequence change replaces valine, which is neutral and non-polar, with leucine, which is neutral and non-polar, at codon 67 of the PKDCC protein (p.Val67Leu). In summary, the available evidence is currently insufficient to determine the role of this variant in disease. Therefore, it has been classified as a Variant of Uncertain Significance. Algorithms developed to predict the effect of missense changes on protein structure and function are either unavailable or do not agree on the potential impact of this missense change (SIFT: "Deleterious"; PolyPhen-2: "Possibly Damaging"; Align-GVGD: "Class C0"). This variant has not been reported in the literature in individuals affected with PKDCC-related conditions. The frequency data for this variant in the population databases is considered unreliable, as metrics indicate insufficient coverage at this position in the gnomAD database.

NM_138370.3(PKDCC):c.199G>C (p.Val67Leu)

Genes: PKDCC (protein kinase domain containing, cytoplasmic; plus strand), LOC129933564 (ATAC-STARR-seq lymphoblastoid silent region 11397; plus strand). Cytogenetic location: 2p21.
Variant type: single nucleotide variant.
Coding change: c.199G>C on transcript NM_138370.3 (MANE Select); coding-DNA position 199, G replaced by C.
Protein change: p.Val67Leu; replaces valine 67 with leucine.
Molecular consequence: missense variant.
Genome position (GRCh38, 1-based): chr2:42,048,398, G>C. VCF-style: chr2-42048398-G-C. GRCh37 (hg19) VCF-style: chr2-42275538-G-C.
Other names: short protein forms V67L.
Identifiers: ClinVar variation 2094149 (VCV002094149.4), dbSNP rs1048062777, ClinGen allele CA346622687.